The following is an entry in ClinVar:

NM_001267550.2(TTN):c.40109T>C (p.Ile13370Thr)

Gene: TTN (titin; minus strand). Cytogenetic location: 2q31.2.
Variant type: single nucleotide variant.
Coding change: c.40109T>C on transcript NM_001267550.2 (MANE Select); coding-DNA position 40109, T replaced by C.
Protein change: p.Ile13370Thr; replaces isoleucine 13370 with threonine.
Molecular consequence: missense variant. On other transcripts: intron variant (5).
Genome position (GRCh38, 1-based): chr2:178,647,413, A>G on the plus strand (T>C on the coding strand, the complement: TTN is on the minus strand). VCF-style: chr2-178647413-A-G. GRCh37 (hg19) VCF-style: chr2-179512140-A-G.
Other names: c.13283-5096T>C (NM_003319.4); c.13859-5096T>C (NM_133437.4); c.13658-5096T>C (NM_133432.3); c.32594-1383T>C (NM_133378.4); c.35375-1383T>C (NM_001256850.1); short protein forms I13370T.
Identifiers: ClinVar variation 535433 (VCV000535433.4), dbSNP rs904655100, ClinGen allele CA60965013.

ClinVar aggregate classification (germline): Uncertain significance. Review status: criteria provided, multiple submitters, no conflicts (2 of 4 stars). 2 submissions from 2 submitters: Uncertain significance (2). Last evaluated 2026-02-11.

Conditions:
TTN-related disorder. Also called: TTN-related condition; TTN-related disease; TTN-related disorders.
Dilated cardiomyopathy 1G (CMD1G). Identifiers: Orphanet 154, MedGen C1858763, MONDO:0011400, OMIM 604145.
Autosomal recessive limb-girdle muscular dystrophy type 2J (LGMDR10). Also called: MUSCULAR DYSTROPHY, LIMB-GIRDLE, AUTOSOMAL RECESSIVE 10; Limb-girdle muscular dystrophy, type 2J. Identifiers: Orphanet 140922, MedGen C1837342, MONDO:0012127, OMIM 608807.

Allele frequency attached by ClinVar (database versions not stated): gnomAD exomes 0.00002 and 0.00005; gnomAD 0.00003 and 0.00004; TOPMed 0.00004.
gnomAD v4.1: 38 of 1,549,646 alleles (0.0025%); highest among the groups gnomAD compares: Admixed American, 0.024%; no homozygotes.

Submissions (2):

PreventionGenetics, part of Exact Sciences
Classification: Uncertain significance for TTN-related condition. Last evaluated: 2026-02-11. Review status: criteria provided, single submitter. Criteria: ACMG Guidelines, 2015. Collection method: clinical testing. Allele origin: germline.
Comment: The TTN c.40109T>C variant is predicted to result in the amino acid substitution p.Ile13370Thr. To our knowledge, this variant has not been reported in the literature. This variant is reported in 0.028% of alleles in individuals of Latino descent in gnomAD. At this time, the clinical significance of this variant is uncertain due to the absence of conclusive functional and genetic evidence.

Labcorp Genetics (formerly Invitae), Labcorp
Classification: Uncertain significance for Dilated cardiomyopathy 1G; Autosomal recessive limb-girdle muscular dystrophy type 2J. Last evaluated: 2017-11-29. Review status: criteria provided, single submitter. Criteria: Invitae Variant Classification Sherloc (09022015). Collection method: clinical testing. Allele origin: germline.